The following is an entry in ClinVar:

NM_033026.6(PCLO):c.2212C>T (p.Pro738Ser)

Gene: PCLO (piccolo presynaptic cytomatrix protein; minus strand). Cytogenetic location: 7q21.11.
Variant type: single nucleotide variant.
Coding change: c.2212C>T on transcript NM_033026.6 (MANE Select); coding-DNA position 2212, C replaced by T.
Protein change: p.Pro738Ser; replaces proline 738 with serine.
Molecular consequence: missense variant.
Genome position (GRCh38, 1-based): chr7:83,135,338, G>A on the plus strand (C>T on the coding strand, the complement: PCLO is on the minus strand). VCF-style: chr7-83135338-G-A. GRCh37 (hg19) VCF-style: chr7-82764654-G-A.
Other names: c.2212C>T, p.Pro738Ser (NM_014510.3); short protein forms P738S.
Identifiers: ClinVar variation 813606 (VCV000813606.6), dbSNP rs191183215, ClinGen allele CA4321300.

ClinVar aggregate classification (germline): Uncertain significance. Review status: criteria provided, single submitter (1 of 4 stars). 2 submissions from 2 submitters: Uncertain significance (1). 1 of the submissions does not count toward it. Last evaluated 2022-01-04.

Conditions:
Microcephaly. Also called: Microcephaly (disease). Identifiers: MedGen C4551563, MONDO:0001149, HP:0000252.

Allele frequency attached by ClinVar (database versions not stated): 1000 Genomes Project 30x 0.00016.

Submissions (2):

Labcorp Genetics (formerly Invitae), Labcorp
Classification: Uncertain significance. Last evaluated: 2022-01-04. Review status: criteria provided, single submitter. Criteria: Invitae Variant Classification Sherloc (09022015). Collection method: clinical testing. Allele origin: germline.
Comment: In summary, the available evidence is currently insufficient to determine the role of this variant in disease. Therefore, it has been classified as a Variant of Uncertain Significance. Algorithms developed to predict the effect of missense changes on protein structure and function are either unavailable or do not agree on the potential impact of this missense change (SIFT: "Tolerated"; PolyPhen-2: "Not Available"; Align-GVGD: "Class C0"). ClinVar contains an entry for this variant (Variation ID: 813606). This variant has not been reported in the literature in individuals affected with PCLO-related conditions. This variant is present in population databases (rs191183215, gnomAD 0.02%). This sequence change replaces proline, which is neutral and non-polar, with serine, which is neutral and polar, at codon 738 of the PCLO protein (p.Pro738Ser).

Department of Pediatrics, Samsung Medical Center, Samsung Medical Center
Classification: Uncertain significance for Microcephaly. Review status: no assertion criteria provided. Criteria: ACMG Guidelines, 2015. Collection method: research. Allele origin: germline. Affected: yes. Not counted in ClinVar's aggregate classification.